The following is an entry in ClinVar:

NM_002608.4(PDGFB):c.656C>T (p.Pro219Leu)

Gene: PDGFB (platelet derived growth factor subunit B; minus strand). Cytogenetic location: 22q13.1.
Variant type: single nucleotide variant.
Coding change: c.656C>T on transcript NM_002608.4 (MANE Select); coding-DNA position 656, C replaced by T.
Protein change: p.Pro219Leu; replaces proline 219 with leucine.
Molecular consequence: missense variant.
Genome position (GRCh38, 1-based): chr22:39,225,793, G>A on the plus strand (C>T on the coding strand, the complement: PDGFB is on the minus strand). VCF-style: chr22-39225793-G-A. GRCh37 (hg19) VCF-style: chr22-39621798-G-A.
Other names: c.611C>T, p.Pro204Leu (NM_033016.3); short protein forms P204L, P219L.
Identifiers: ClinVar variation 2171240 (VCV002171240.4), dbSNP rs200444646, ClinGen allele CA10240025.

ClinVar aggregate classification (germline): Uncertain significance (1 of 4 stars; one submission).

Allele frequency attached by ClinVar (database versions not stated): ESP Exome Variant Server 0.00008.

Submission:

Labcorp Genetics (formerly Invitae), Labcorp
Classification: Uncertain significance. Last evaluated: 2025-09-14. Review status: criteria provided, single submitter. Criteria: Invitae Variant Classification Sherloc (09022015). Collection method: clinical testing. Allele origin: germline.
Comment: This sequence change replaces proline, which is neutral and non-polar, with leucine, which is neutral and non-polar, at codon 219 of the PDGFB protein (p.Pro219Leu). This variant is present in population databases (rs200444646, gnomAD 0.006%). This variant has not been reported in the literature in individuals affected with PDGFB-related conditions. ClinVar contains an entry for this variant (Variation ID: 2171240). An algorithm developed to predict the effect of missense changes on protein structure and function outputs the following: PolyPhen-2: "Benign". The leucine amino acid residue is found in multiple mammalian species, which suggests that this missense change does not adversely affect protein function. In summary, the available evidence is currently insufficient to determine the role of this variant in disease. Therefore, it has been classified as a Variant of Uncertain Significance.